The following is an entry in ClinVar:

ClinVar aggregate classification (germline): Pathogenic (1 of 4 stars; one submission).

Conditions:
Vanishing white matter disease. Also called: Childhood ataxia with diffuse central nervous system hypomyelination; Leukoencephalopathy with vanishing white matter; CACH/VWM syndrome; Cree leukoencehalopathy; CACH syndrome. Identifiers: Orphanet 135, Orphanet 99853, MedGen C1858991, MONDO:0800448.

gnomAD v4.1: 3 of 1,614,098 alleles (0.00019%); highest among the groups gnomAD compares: South Asian, 0.0011%; no homozygotes.

Submission:

Women's Health and Genetics/Laboratory Corporation of America, LabCorp
Classification: Pathogenic for Vanishing white matter disease. Last evaluated: 2024-10-22. Review status: criteria provided, single submitter. Criteria: LabCorp Variant Classification Summary - May 2015. Collection method: clinical testing. Allele origin: germline.
Comment: Variant summary: EIF2B4 c.728C>T (p.Pro243Leu) results in a non-conservative amino acid change in the encoded protein sequence. Five of five in-silico tools predict a damaging effect of the variant on protein function. The variant allele was found at a frequency of 4e-06 in 251476 control chromosomes. c.728C>T has been reported in the literature in multiple homozygous individuals affected with Leukoencephalopathy With Vanishing White Matter (Fogli_2004, Fogli_2004, Deng_2021). These data indicate that the variant is very likely to be associated with disease. At least one publication reports experimental evidence evaluating an impact on protein function. The most pronounced variant effect results in about 54% of normal activity in cells derived from a patient (fogli_2004). The following publications have been ascertained in the context of this evaluation (PMID: 34745209, 15054402, 15136673). No submitters have cited clinical-significance assessments for this variant to ClinVar. Based on the evidence outlined above, the variant was classified as pathogenic.

Literature cited by the submitters: PubMed 15054402; PubMed 15136673; PubMed 34745209.

NM_001034116.2(EIF2B4):c.731C>T (p.Pro244Leu)

Genes: EIF2B4 (eukaryotic translation initiation factor 2B subunit delta; minus strand), GTF3C2-AS2 (GTF3C2 antisense RNA 2; plus strand). Cytogenetic location: 2p23.3.
Variant type: single nucleotide variant.
Coding change: c.731C>T on transcript NM_001034116.2 (MANE Select); coding-DNA position 731, C replaced by T.
Protein change: p.Pro244Leu; replaces proline 244 with leucine.
Molecular consequence: missense variant. On other transcripts: non-coding transcript variant (8).
Genome position (GRCh38, 1-based): chr2:27,367,797, G>A on the plus strand (C>T on the coding strand, the complement: EIF2B4 is on the minus strand). VCF-style: chr2-27367797-G-A. GRCh37 (hg19) VCF-style: chr2-27590664-G-A.
Other names: c.794C>T, p.Pro265Leu (NM_001318965.2); c.686C>T, p.Pro229Leu (NM_001318966.2); c.638C>T, p.Pro213Leu (NM_001318967.2); c.146C>T, p.Pro49Leu (NM_001318968.2); c.113C>T, p.Pro38Leu (NM_001318969.2); c.728C>T, p.Pro243Leu (NM_015636.4); c.791C>T, p.Pro264Leu (NM_172195.4); short protein forms P213L, P229L, P243L, P244L, P264L, P265L, P38L, P49L.
Identifiers: ClinVar variation 3385144 (VCV003385144.1).
Genomic context (GRCh38, chr2:27,367,797, plus strand): 5'-TGTCCCTACCTCATGTAGGGTTTTAGTTTATTCACTAGATCCCTGGAGAGTTCTTCATTA[G>A]GCGGTGTTGTGTAATCCTGAATCACCTATAGGGTACACAAGGTGATCTGCAAAATACCCC-3'
Protein context (NP_001029288.1, residues 234-254): QQVIQDYTTP[Pro244Leu]NEELSRDLVN